The following is an entry in ClinVar:

ClinVar aggregate classification (germline): Uncertain significance. Review status: criteria provided, multiple submitters, no conflicts (2 of 4 stars). 2 submissions from 2 submitters: Uncertain significance (2). Last evaluated 2026-04-04.

Conditions:
Hereditary cancer-predisposing syndrome. Also called: Tumor predisposition; Hereditary neoplastic syndrome; Neoplastic Syndromes, Hereditary; Hereditary Cancer Syndrome. Identifiers: Orphanet 140162, MedGen C0027672, MeSH D009386, MONDO:0015356.
Familial meningioma. Also called: Meningioma, familial, susceptibility to. Identifiers: Orphanet 263662, MedGen C3551915, MONDO:0011789, OMIM 607174.

Submissions (2):

Ambry Genetics
Classification: Uncertain significance for Hereditary cancer-predisposing syndrome. Last evaluated: 2026-04-04. Review status: criteria provided, single submitter. Criteria: Ambry Variant Classification Scheme 2023. Collection method: clinical testing. Allele origin: germline.
Comment: The p.A287V variant (also known as c.860C>T), located in coding exon 9 of the SMARCE1 gene, results from a C to T substitution at nucleotide position 860. The alanine at codon 287 is replaced by valine, an amino acid with similar properties. This amino acid position is conserved. In addition, the in silico prediction for this alteration is inconclusive. Based on the available evidence, the clinical significance of this variant remains unclear.

Labcorp Genetics (formerly Invitae), Labcorp
Classification: Uncertain significance for Familial meningioma. Last evaluated: 2023-09-22. Review status: criteria provided, single submitter. Criteria: Invitae Variant Classification Sherloc (09022015). Collection method: clinical testing. Allele origin: germline.
Comment: This sequence change replaces alanine, which is neutral and non-polar, with valine, which is neutral and non-polar, at codon 287 of the SMARCE1 protein (p.Ala287Val). This variant is not present in population databases (gnomAD no frequency). This variant has not been reported in the literature in individuals affected with SMARCE1-related conditions. Advanced modeling of protein sequence and biophysical properties (such as structural, functional, and spatial information, amino acid conservation, physicochemical variation, residue mobility, and thermodynamic stability) has been performed at Invitae for this missense variant, however the output from this modeling did not meet the statistical confidence thresholds required to predict the impact of this variant on SMARCE1 protein function. In summary, the available evidence is currently insufficient to determine the role of this variant in disease. Therefore, it has been classified as a Variant of Uncertain Significance.

NM_003079.5(SMARCE1):c.860C>T (p.Ala287Val)

Gene: SMARCE1 (SWI/SNF related BAF chromatin remodeling complex subunit E1; minus strand). Cytogenetic location: 17q21.2.
Variant type: single nucleotide variant.
Coding change: c.860C>T on transcript NM_003079.5 (MANE Select); coding-DNA position 860, C replaced by T.
Protein change: p.Ala287Val; replaces alanine 287 with valine.
Molecular consequence: missense variant.
Genome position (GRCh38, 1-based): chr17:40,630,881, G>A on the plus strand (C>T on the coding strand, the complement: SMARCE1 is on the minus strand). VCF-style: chr17-40630881-G-A. GRCh37 (hg19) VCF-style: chr17-38787133-G-A.
Other names: short protein forms A287V.
Identifiers: ClinVar variation 2762834 (VCV002762834.4), dbSNP rs201158885, ClinGen allele CA399363846.